The following is an entry in ClinVar:

ClinVar aggregate classification (germline): Uncertain significance (1 of 4 stars; one submission).

Submission:

Labcorp Genetics (formerly Invitae), Labcorp
Classification: Uncertain significance. Last evaluated: 2026-01-21. Review status: criteria provided, single submitter. Criteria: Invitae Variant Classification Sherloc (09022015). Collection method: clinical testing. Allele origin: germline.
Comment: This sequence change replaces glycine, which is neutral and non-polar, with alanine, which is neutral and non-polar, at codon 971 of the DNAH9 protein (p.Gly971Ala). This variant is not present in population databases (gnomAD no frequency). This variant has not been reported in the literature in individuals affected with DNAH9-related conditions. An algorithm developed to predict the effect of missense changes on protein structure and function (PolyPhen-2) suggests that this variant is likely to be tolerated. In summary, the available evidence is currently insufficient to determine the role of this variant in disease. Therefore, it has been classified as a Variant of Uncertain Significance.

NM_001372.4(DNAH9):c.2912G>C (p.Gly971Ala)

Genes: DNAH9 (dynein axonemal heavy chain 9; plus strand), LOC126862505 (BRD4-independent group 4 enhancer GRCh37_chr17:11572478-11573677; plus strand). Cytogenetic location: 17p12.
Variant type: single nucleotide variant.
Coding change: c.2912G>C on transcript NM_001372.4 (MANE Select); coding-DNA position 2912, G replaced by C.
Protein change: p.Gly971Ala; replaces glycine 971 with alanine.
Molecular consequence: missense variant.
Genome position (GRCh38, 1-based): chr17:11,669,244, G>C. VCF-style: chr17-11669244-G-C. GRCh37 (hg19) VCF-style: chr17-11572561-G-C.
Other names: short protein forms G971A.
Identifiers: ClinVar variation 4808667 (VCV004808667.1).
Genomic context (GRCh38, chr17:11,669,244, plus strand): 5'-GTCTCATCACCAGCATTTTTAGGATACCATCTCTGGTGCCACGGCTTTCCCCACAAAATG[G>C]CTCTCCTCACTATCAGGTACTGGAGCTGCAGCCATCCTGCCCTCCAACTGTGTCCCGTCC-3'
Protein context (NP_001363.2, residues 961-981): SLVPRLSPQN[Gly971Ala]SPHYQVDLDG